The following is an entry in ClinVar:

ClinVar aggregate classification (germline): Pathogenic (1 of 4 stars; one submission).

Conditions:
Breast-ovarian cancer, familial, susceptibility to, 3. Also called: RAD51C-Related Breast/Ovarian Cancer. Identifiers: Orphanet 145, MedGen C3150659, MONDO:0013253, OMIM 613399.

Submission:

Myriad Genetics, Inc.
Classification: Pathogenic for Breast-ovarian cancer, familial, susceptibility to, 3. Last evaluated: 2024-01-03. Review status: criteria provided, single submitter. Criteria: Myriad Autosomal Dominant, Autosomal Recessive and X-Linked Classification Criteria (2023). Collection method: clinical testing. Allele origin: unknown.
Comment: This variant is considered pathogenic. This variant creates a frameshift predicted to result in premature protein truncation.

NM_058216.3(RAD51C):c.699_702del (p.His233fs)

Genes: RAD51C (RAD51 paralog C; plus strand), LOC129390903 (MPRA-validated peak2919 silencer; plus strand). Cytogenetic location: 17q22.
Variant type: Deletion.
Coding change: c.699_702del on transcript NM_058216.3 (MANE Select); coding-DNA positions 699 to 702, 4 bases deleted (CTCA; older notation c.699_702delCTCA).
Protein change: p.His233fs; shifts the reading frame from histidine 233.
Molecular consequence: frameshift variant. On other transcripts: non-coding transcript variant (1).
Genome position (GRCh38, 1-based): chr17:58,703,323-58,703,326, CTCA deleted; deleting any 4 consecutive bases within chr17:58,703,321-58,703,326 gives the same sequence; the c. name uses the placement nearest the transcript's 3' end. VCF-style (leftmost placement, unchanged base first): chr17-58703320-ACACT-A. GRCh37 (hg19) VCF-style: chr17-56780681-ACACT-A.
Other names: c.*127_*130delCTCA (NM_058217.1); short protein forms H233fs.
Identifiers: ClinVar variation 3148608 (VCV003148608.1), dbSNP rs2509300481, ClinGen allele CA2825002567.